The following is an entry in ClinVar:

ClinVar aggregate classification (germline): Uncertain significance (1 of 4 stars; one submission).

Allele frequency attached by ClinVar (database versions not stated): gnomAD 0.00003; TOPMed 0.00004; gnomAD exomes 0.00007; ExAC 0.00009.
gnomAD v4.1: 114 of 1,613,276 alleles (0.0071%); highest among the groups gnomAD compares: East Asian, 0.045%; 1 homozygote.

Submission:

Labcorp Genetics (formerly Invitae), Labcorp
Classification: Uncertain significance. Last evaluated: 2022-07-15. Review status: criteria provided, single submitter. Criteria: Invitae Variant Classification Sherloc (09022015). Collection method: clinical testing. Allele origin: germline.
Comment: This sequence change replaces arginine, which is basic and polar, with histidine, which is basic and polar, at codon 3654 of the FRAS1 protein (p.Arg3654His). This variant is present in population databases (rs765433709, gnomAD 0.05%). This variant has not been reported in the literature in individuals affected with FRAS1-related conditions. Algorithms developed to predict the effect of missense changes on protein structure and function (SIFT, PolyPhen-2, Align-GVGD) all suggest that this variant is likely to be disruptive. In summary, the available evidence is currently insufficient to determine the role of this variant in disease. Therefore, it has been classified as a Variant of Uncertain Significance.

NM_025074.7(FRAS1):c.10961G>A (p.Arg3654His)

Genes: FRAS1 (Fraser extracellular matrix complex subunit 1; plus strand), LOC126807089 (CDK7 strongly-dependent group 2 enhancer GRCh37_chr4:79455131-79456330; plus strand). Cytogenetic location: 4q21.21.
Variant type: single nucleotide variant.
Coding change: c.10961G>A on transcript NM_025074.7 (MANE Select); coding-DNA position 10961, G replaced by A.
Protein change: p.Arg3654His; replaces arginine 3654 with histidine.
Molecular consequence: missense variant.
Genome position (GRCh38, 1-based): chr4:78,534,484, G>A. VCF-style: chr4-78534484-G-A. GRCh37 (hg19) VCF-style: chr4-79455638-G-A.
Other names: short protein forms R3654H.
Identifiers: ClinVar variation 2144848 (VCV002144848.1), dbSNP rs765433709, ClinGen allele CA2979111.